The following is an entry in ClinVar:

ClinVar aggregate classification (germline): Uncertain significance. Review status: criteria provided, multiple submitters, no conflicts (2 of 4 stars). 2 submissions from 2 submitters: Uncertain significance (2). Last evaluated 2025-09-22.

Conditions:
Developmental and epileptic encephalopathy, 34 (DEE34). Also called: Early infantile epileptic encephalopathy 34; SLC12A5-Related Epilepsy of Infancy with Migrating Focal Seizures. Identifiers: Orphanet 293181, MedGen C4225257, MONDO:0014718, OMIM 616645.

Allele frequency attached by ClinVar (database versions not stated): gnomAD exomes below 0.00001 and 0.00002; ExAC 0.00001; gnomAD 0.00002.
gnomAD v4.1: 32 of 1,562,970 alleles (0.002%); highest among the groups gnomAD compares: Non-Finnish European, 0.0028%; no homozygotes.

Submissions (2):

Ambry Genetics
Classification: Uncertain significance. Last evaluated: 2025-09-22. Review status: criteria provided, single submitter. Criteria: Ambry Variant Classification Scheme 2023. Collection method: clinical testing. Allele origin: germline.

Labcorp Genetics (formerly Invitae), Labcorp
Classification: Uncertain significance for Developmental and epileptic encephalopathy, 34. Last evaluated: 2021-10-12. Review status: criteria provided, single submitter. Criteria: Invitae Variant Classification Sherloc (09022015). Collection method: clinical testing. Allele origin: germline.
Comment: This sequence change replaces phenylalanine with leucine at codon 791 of the SLC12A5 protein (p.Phe791Leu). The phenylalanine residue is highly conserved and there is a small physicochemical difference between phenylalanine and leucine. This variant is present in population databases (rs776507788, ExAC 0.002%). This variant has not been reported in the literature in individuals affected with SLC12A5-related conditions. Advanced modeling of protein sequence and biophysical properties (such as structural, functional, and spatial information, amino acid conservation, physicochemical variation, residue mobility, and thermodynamic stability) performed at Invitae indicates that this missense variant is expected to disrupt SLC12A5 protein function. In summary, the available evidence is currently insufficient to determine the role of this variant in disease. Therefore, it has been classified as a Variant of Uncertain Significance.

NM_020708.5(SLC12A5):c.2371T>C (p.Phe791Leu)

Gene: SLC12A5 (solute carrier family 12 member 5; plus strand). Cytogenetic location: 20q13.12.
Variant type: single nucleotide variant.
Coding change: c.2371T>C on transcript NM_020708.5 (MANE Select); coding-DNA position 2371, T replaced by C.
Protein change: p.Phe791Leu; replaces phenylalanine 791 with leucine.
Molecular consequence: missense variant.
Genome position (GRCh38, 1-based): chr20:46,051,864, T>C. VCF-style: chr20-46051864-T-C. GRCh37 (hg19) VCF-style: chr20-44680503-T-C.
Other names: c.2440T>C, p.Phe814Leu (NM_001134771.2); c.2440T>C (NM_001134771.1); short protein forms F814L, F791L.
Identifiers: ClinVar variation 1381814 (VCV001381814.4), dbSNP rs776507788, ClinGen allele CA9887576.